The following is an entry in ClinVar:

ClinVar aggregate classification (germline): Pathogenic. Review status: criteria provided, multiple submitters, no conflicts (2 of 4 stars). 34 submissions from 33 submitters: Pathogenic (25). 9 of the submissions do not count toward it. Last evaluated 2026-01-26.

Conditions:
PEX7-related disorder. Also called: PEX7-related condition; PEX7-related disorders. Identifiers: MedGen CN239409.
Rhizomelic chondrodysplasia punctata (RCDP). Identifiers: Orphanet 177, MedGen C0282529, MONDO:0015776. Disease mechanism: loss of function.
Peroxisome biogenesis disorder 9B. Also called: PEX7-Related Refsum Disease; Refsum disease, adult, 2; PEROXISOME BIOGENESIS DISORDER, PEX7-RELATED, ATYPICAL. Identifiers: Orphanet 773, MedGen C2749346, MONDO:0013945, OMIM 614879.
Rhizomelic chondrodysplasia punctata type 1 (RCDP1). Also called: CHONDRODYSTROPHIA CALCIFICANS PUNCTATA; PEX7-Related Rhizomelic Chondrodysplasia Punctata; PEROXISOME BIOGENESIS DISORDER 9. Identifiers: Orphanet 177, Orphanet 309789, MedGen C1859133, MONDO:0008972, OMIM 215100. Disease mechanism: loss of function.
Refsum disease, classic. Also called: PHYH-Related Refsum Disease; PHYTANIC ACID OXIDASE DEFICIENCY; HEREDOPATHIA ATACTICA POLYNEURITIFORMIS; HMSN IV. Identifiers: Orphanet 773, MedGen C5780941, MONDO:1060256, OMIM 266500. Disease mechanism: loss of function.
Retinal disorder. Also called: Retinopathies; Retinal Diseases; Retinal disorders; Retinopathy. Identifiers: MedGen C0035309, MONDO:0005283, HP:0000488.

Allele frequency attached by ClinVar (database versions not stated): ExAC 0.00025; gnomAD exomes 0.00033 and 0.00071; TOPMed 0.00037; gnomAD 0.00046 and 0.00048.
gnomAD v4.1: 1,100 of 1,609,616 alleles (0.068%); highest among the groups gnomAD compares: Non-Finnish European, 0.089%; no homozygotes.

Submissions 1 to 14 of 34:

Labcorp Genetics (formerly Invitae), Labcorp
Classification: Pathogenic for Peroxisome biogenesis disorder 9B. Last evaluated: 2026-01-26. Review status: criteria provided, single submitter. Criteria: Invitae Variant Classification Sherloc (09022015). Collection method: clinical testing. Allele origin: germline.
Comment: This sequence change creates a premature translational stop signal (p.Leu292*) in the PEX7 gene. While this is not anticipated to result in nonsense mediated decay, it is expected to disrupt the last 32 amino acid(s) of the PEX7 protein. This variant is present in population databases (rs1805137, gnomAD 0.07%). This premature translational stop signal has been observed in individuals with rhizomelic chondrodysplasia punctata (PMID: 9090381, 9090382, 10083738, 21990100, 22008564, 23572185, 25800479). It is commonly reported in individuals of Northern European ancestry (PMID: 9090381, 9090382, 10083738, 21990100, 22008564, 23572185, 25800479). ClinVar contains an entry for this variant (Variation ID: 7780). Algorithms developed to predict the effect of variants on gene product structure and function are not available or were not evaluated for this variant. Experimental studies have shown that this premature translational stop signal affects PEX7 function (PMID: 9090381, 9090382, 11756410). For these reasons, this variant has been classified as Pathogenic.

Dasa
Classification: Pathogenic. Last evaluated: 2025-12-26. Review status: criteria provided, single submitter. Criteria: DASA Assertion Criteria. Collection method: clinical testing. Allele origin: germline.
Comment: NM_000288.4(PEX7):c.875T>A (p.Leu292Ter) introduces a premature termination codon predicted to result in loss of normal protein function. Loss-of-function is an established mechanism of disease for this gene. Segregation evidence has been reported in affected families. This variant has been observed in affected individuals with related phenotype in a genotype context consistent with recessive disease (PMID: 9090381; PMID: 26587300; PMID: 11781871). Functional evidence supports a deleterious effect on the gene or gene product (PMID: 9090381; PMID: 26587300; PMID: 11781871). This variant has been recurrently observed in individuals with related phenotype (PMID: 9090381; PMID: 26587300; PMID: 11781871). The variant is present at low frequency in population datasets. Based on the available data, this variant is classified as pathogenic.

Natera, Inc.
Classification: Pathogenic for Rhizomelic Chondrodysplasia Punctata. Last evaluated: 2025-12-11. Review status: criteria provided, single submitter. Criteria: Natera Variant Classification Schema (03/2026). Collection method: clinical testing. Allele origin: germline.
Comment: The c.875T>A variant in PEX7 is a nonsense variant predicted to introduce a stop codon at amino acid 292. This variant may result in a truncated or dysfunctional protein product. This variant is rare in the general population with a frequency below the threshold expected for the associated phenotype(s). This variant has been observed in one or more individuals affected with the associated recessive disease, as either homozygous or compound heterozygous with a second variant (PMID: 23572185). Given the available evidence, this variant is classified as Pathogenic.

PreventionGenetics, part of Exact Sciences
Classification: Pathogenic for PEX7-related condition. Last evaluated: 2025-11-24. Review status: criteria provided, single submitter. Criteria: ACMG Guidelines, 2015. Collection method: clinical testing. Allele origin: germline.
Comment: The PEX7 c.875T>A variant is predicted to result in premature protein termination (p.Leu292*). This variant is reported to be one of the most common pathogenic variants identified in rhizomelic chondrodysplasia punctata patients (Braverman et al. 1997. PubMed ID: 9090381; Motley et al. 2002. PubMed ID: 11781871; Shimozawa et al. 1999. PubMed ID: 10083738). This variant is reported in 0.068% of alleles in individuals of European (Non-Finnish) descent in gnomAD. Nonsense variants in PEX7 are expected to be pathogenic. This variant is interpreted as pathogenic.

Genetics Laboratory, Great Ormond Street Hospital NHS Foundation Trust, North Thames Genomic Laboratory Hub
Classification: Pathogenic for Retinal disorders. Last evaluated: 2025-09-10. Review status: criteria provided, single submitter. Criteria: ACGS Best Practice Guidelines for Variant Classification in Rare Disease 2024 v1.2. Collection method: clinical testing. Allele origin: germline. Affected: yes.
Comment: PS4_moderate, PM2_moderate, PVS1_strong, PM3_moderate

First Genomix Gene Laboratory, Genetic Diagnostics Department
Classification: Pathogenic for Peroxisome biogenesis disorder 9B; Rhizomelic chondrodysplasia punctata type 1. Last evaluated: 2025-07-15. Review status: criteria provided, single submitter. Criteria: ACMG Guidelines, 2015. Collection method: clinical testing. Allele origin: germline. Inheritance: Autosomal recessive inheritance. Affected: no. Observed: 1 variant allele.

Mayo Clinic Laboratories, Mayo Clinic
Classification: Pathogenic. Last evaluated: 2025-07-11. Review status: criteria provided, single submitter. Criteria: ACMG Guidelines, 2015. Collection method: clinical testing. Allele origin: germline. Observed: 3 variant alleles.
Comment: PP1, PP4, PM1, PM2_supporting, PM3, PS3, PS4_moderate, PVS1_strong

Laboratory of Genetics, Children's Clinical University Hospital Latvia
Classification: Pathogenic. Last evaluated: 2025-02-16. Review status: criteria provided, single submitter. Criteria: ACMG Guidelines, 2015. Collection method: clinical testing. Allele origin: germline. Affected: yes.

Blueprint Genetics
Classification: Pathogenic for PEX7-related disorders. Last evaluated: 2024-11-15. Review status: criteria provided, single submitter. Criteria: ACMG Guidelines, 2015. Collection method: clinical testing. Allele origin: germline. Affected: yes. Observed: 5 variant alleles.

Revvity Omics, Revvity
Classification: Pathogenic. Last evaluated: 2024-11-14. Review status: criteria provided, single submitter. Criteria: ACMG Guidelines, 2015. Collection method: clinical testing. Allele origin: germline.

Baylor Genetics
Classification: Pathogenic for Peroxisome biogenesis disorder 9B. Last evaluated: 2024-03-27. Review status: criteria provided, single submitter. Criteria: ACMG Guidelines, 2015. Collection method: clinical testing. Allele origin: unknown.

Fulgent Genetics
Classification: Pathogenic for Rhizomelic chondrodysplasia punctata type 1; Peroxisome biogenesis disorder 9B. Last evaluated: 2024-03-13. Review status: criteria provided, single submitter. Criteria: ACMG Guidelines, 2015. Collection method: clinical testing. Allele origin: germline.

GeneDx
Classification: Pathogenic. Last evaluated: 2022-05-09. Review status: criteria provided, single submitter. Criteria: GeneDx Variant Classification Process June 2021. Collection method: clinical testing. Allele origin: germline. Affected: yes.
Comment: Nonsense variant in the C-terminus predicted to result in protein truncation of the last 32 amino acids; In vitro functional studies of p.(L292*) demonstrate impaired binding of essential protein and reduced protein function (Mukai et al., 2002); This variant is associated with the following publications: (PMID: 30487145, 10083738, 25525159, 9090381, 28555434, 26587300, 11781871, 31980526, 31589614, 23572185, 21990100, 9090382, 11756410, 35055178)

Greenwood Genetic Center Diagnostic Laboratories, Greenwood Genetic Center
Classification: Pathogenic. Last evaluated: 2021-03-16. Review status: criteria provided, single submitter. Criteria: ACMG Guidelines, 2015. Collection method: clinical testing. Allele origin: germline. Affected: yes.
Comment: PVS1, PS3, PM3

NM_000288.4(PEX7):c.875T>A (p.Leu292Ter)

Gene: PEX7 (peroxisomal biogenesis factor 7; plus strand). Cytogenetic location: 6q23.3.
Variant type: single nucleotide variant.
Coding change: c.875T>A on transcript NM_000288.4 (MANE Select); coding-DNA position 875, T replaced by A.
Protein change: p.Leu292Ter; replaces leucine 292 with a stop codon.
Molecular consequence: nonsense.
Genome position (GRCh38, 1-based): chr6:136,898,213, T>A. VCF-style: chr6-136898213-T-A. GRCh37 (hg19) VCF-style: chr6-137219351-T-A.
Other names: p.Leu292*; short protein forms L292*.
Identifiers: ClinVar variation 7780 (VCV000007780.103), dbSNP rs1805137, ClinGen allele CA340698.
Genomic context (GRCh38, chr6:136,898,213, plus strand): 5'-TTTCAAAGCCTGACTCTCTTCTTGAAACAGTGGAGCATCATACAGAGTTTACTTGTGGTT[T>A]AGACTTCAGTCTTCAGAGCCCCACTCAGGTAACGGATACAATCTCATGATATTCTCTTCT-3'